The following is an entry in ClinVar:

ClinVar aggregate classification (germline): Pathogenic (1 of 4 stars; one submission).

Submission:

Genetics Laboratory, UDIAT-Centre Diagnòstic, Hospital Universitari Parc Tauli
Classification: Pathogenic. Last evaluated: 2021-04-26. Review status: criteria provided, single submitter. Criteria: Parc Tauli Hospital Assertion Criteria 2021. Collection method: clinical testing. Allele origin: de novo. Inheritance: Autosomal dominant inheritance. Affected: yes. Observed: 1 heterozygote.
Comment: PVS1_very strong;PM2_supporting;PM6_moderate

NM_001145358.2(SIN3A):c.2534del (p.Asp845fs)

Gene: SIN3A (SIN3 transcription regulator family member A; minus strand). Cytogenetic location: 15q24.2.
Variant type: Deletion.
Coding change: c.2534del on transcript NM_001145358.2 (MANE Select); coding-DNA position 2534, one base deleted (A; older notation c.2534delA).
Protein change: p.Asp845fs; shifts the reading frame from aspartic acid 845.
Molecular consequence: frameshift variant.
Genome position (GRCh38, 1-based): chr15:75,392,559, T deleted on the plus strand (A on the coding strand, the reverse complement: SIN3A is on the minus strand). VCF-style (leftmost placement, unchanged base first): chr15-75392558-AT-A. GRCh37 (hg19) VCF-style: chr15-75684899-AT-A.
Other names: c.2534del, p.Asp845fs (NM_001145357.2, NM_015477.3); short protein forms D845fs.
Identifiers: ClinVar variation 1098357 (VCV001098357.2), dbSNP rs2141425807, ClinGen allele CA2499223098.